The following is an entry in ClinVar:

Conditions:
Breast-ovarian cancer, familial, susceptibility to, 1 (BROVCA1). Also called: BRCA1 Hereditary Breast and Ovarian Cancer; OVARIAN CANCER, SUSCEPTIBILITY TO. Identifiers: Orphanet 145, MedGen C2676676, MONDO:0011450, OMIM 604370. Disease mechanism: loss of function.

Submission:

Brotman Baty Institute, University of Washington
No classification provided (evidence only). Condition: Breast-ovarian cancer, familial 1. Review status: no classification provided. Collection method: in vitro. Allele origin: not applicable. Functional consequence: functionally_abnormal.
ClinVar note: "not provided" was previously submitted as the classification for the variant. However, the classification appeared to be based only on an observation of functional data so it was converted to no classification on 2025-07-30.

NM_007294.4(BRCA1):c.183T>A (p.Cys61Ter)

Gene: BRCA1 (BRCA1 DNA repair associated; minus strand). Cytogenetic location: 17q21.31.
Variant type: single nucleotide variant.
Coding change: c.183T>A on transcript NM_007294.4 (MANE Select); coding-DNA position 183, T replaced by A.
Protein change: p.Cys61Ter; replaces cysteine 61 with a stop codon.
Molecular consequence: nonsense. On other transcripts: non-coding transcript variant (1).
Genome position (GRCh38, 1-based): chr17:43,106,485, A>T on the plus strand (T>A on the coding strand, the complement: BRCA1 is on the minus strand). VCF-style: chr17-43106485-A-T. GRCh37 (hg19) VCF-style: chr17-41258502-A-T.
Other names: c.-6T>A (NM_001407571.1, NM_001407853.1, NM_001407879.1 and 58 more transcripts); c.183T>A, p.Cys61Ter (NM_001407581.1, NM_001407582.1, NM_001407583.1 and 168 more transcripts); c.42T>A, p.Cys14Ter (NM_001407692.1, NM_001407694.1, NM_001407695.1 and 99 more transcripts); short protein forms C14*, C61*.
Identifiers: ClinVar variation 868252 (VCV000868252.3), dbSNP rs895070717, ClinGen allele CA10601798.